The following is an entry in ClinVar:

NM_000243.3(MEFV):c.848C>G (p.Pro283Arg)

Gene: MEFV (MEFV innate immunity regulator, pyrin; minus strand). Cytogenetic location: 16p13.3.
Variant type: single nucleotide variant.
Coding change: c.848C>G on transcript NM_000243.3 (MANE Select); coding-DNA position 848, C replaced by G.
Protein change: p.Pro283Arg; replaces proline 283 with arginine.
Molecular consequence: missense variant. On other transcripts: intron variant (1).
Genome position (GRCh38, 1-based): chr16:3,254,220, G>C on the plus strand (C>G on the coding strand, the complement: MEFV is on the minus strand). VCF-style: chr16-3254220-G-C. GRCh37 (hg19) VCF-style: chr16-3304220-G-C.
Other names: c.277+2091C>G (NM_001198536.2); short protein forms P283R.
Identifiers: ClinVar variation 97548 (VCV000097548.15), dbSNP rs104895119, ClinGen allele CA280667.

ClinVar aggregate classification (germline): Conflicting classifications of pathogenicity. Review status: criteria provided, conflicting classifications (1 of 4 stars). 10 submissions from 8 submitters: Uncertain significance (6); Likely benign (2). 2 of the submissions do not count toward it. Last evaluated 2024-05-17.

Conditions:
Acute febrile neutrophilic dermatosis (AFND). Also called: Sweet Syndrome; Gomm Button disease. Identifiers: Orphanet 3243, MedGen C0085077, MONDO:0011959, OMIM 608068.
Familial Mediterranean fever (FMF). Also called: POLYSEROSITIS, FAMILIAL PAROXYSMAL; POLYSEROSITIS, RECURRENT; Periodic peritonitis; Benign paroxysmal peritonitis. Identifiers: Orphanet 342, MedGen C0031069, MONDO:0018088, OMIM 249100. Disease mechanism: gain of function.
Familial Mediterranean fever, autosomal dominant. Also called: FMF, AUTOSOMAL DOMINANT; Dominant Familial Mediterranean Fever. Identifiers: Orphanet 342, MedGen C1851347, MONDO:0007601, OMIM 134610.

Submissions (10):

Blueprint Genetics
Classification: Uncertain significance. Last evaluated: 2024-05-17. Review status: criteria provided, single submitter. Criteria: ACMG Guidelines, 2015. Collection method: clinical testing. Allele origin: germline.

Genome-Nilou Lab
Classification: Uncertain significance for Familial Mediterranean fever. Last evaluated: 2023-02-08. Review status: criteria provided, single submitter. Criteria: ACMG Guidelines, 2015. Collection method: clinical testing. Allele origin: germline.

Genome-Nilou Lab
Classification: Likely benign for Familial Mediterranean fever, autosomal dominant. Last evaluated: 2023-02-08. Review status: criteria provided, single submitter. Criteria: ACMG Guidelines, 2015. Collection method: clinical testing. Allele origin: germline.

Genome-Nilou Lab
Classification: Likely benign for Acute febrile neutrophilic dermatosis. Last evaluated: 2023-02-08. Review status: criteria provided, single submitter. Criteria: ACMG Guidelines, 2015. Collection method: clinical testing. Allele origin: germline.

Labcorp Genetics (formerly Invitae), Labcorp
Classification: Uncertain significance for Familial Mediterranean fever. Last evaluated: 2022-03-04. Review status: criteria provided, single submitter. Criteria: Invitae Variant Classification Sherloc (09022015). Collection method: clinical testing. Allele origin: germline.
Comment: This sequence change replaces proline, which is neutral and non-polar, with arginine, which is basic and polar, at codon 283 of the MEFV protein (p.Pro283Arg). This variant is present in population databases (rs104895119, gnomAD 0.003%). This variant has not been reported in the literature in individuals affected with MEFV-related conditions. ClinVar contains an entry for this variant (Variation ID: 97548). Algorithms developed to predict the effect of missense changes on protein structure and function (SIFT, PolyPhen-2, Align-GVGD) all suggest that this variant is likely to be tolerated. In summary, the available evidence is currently insufficient to determine the role of this variant in disease. Therefore, it has been classified as a Variant of Uncertain Significance.

Mendelics
Classification: Uncertain significance for Familial Mediterranean fever. Last evaluated: 2019-05-28. Review status: criteria provided, single submitter. Criteria: Mendelics Assertion Criteria 2017. Collection method: clinical testing. Allele origin: unknown.

Fulgent Genetics
Classification: Uncertain significance for Familial Mediterranean fever, autosomal dominant; Familial Mediterranean fever. Last evaluated: 2018-10-31. Review status: criteria provided, single submitter. Criteria: ACMG Guidelines, 2015. Collection method: clinical testing. Allele origin: unknown.

GeneDx
Classification: Uncertain significance. Last evaluated: 2018-04-20. Review status: criteria provided, single submitter. Criteria: GeneDx Variant Classification (06012015). Collection method: clinical testing. Allele origin: germline. Affected: yes.
Comment: The P283R variant has not been published as a pathogenic variant, nor has it been reported as a benign variant to our knowledge. The P283R variant was reported in the Locus Specific Database in an individual with symptoms of a periodic fever syndrome who was also heterozygous for another missense variant (Haverkamp, 2003). The variant is not observed at a significant frequency in large population cohorts (Lek et al., 2016). The variant is a non-conservative amino acid substitution, which is likely to impact secondary protein structure as these residues differ in polarity, charge, size and/or other properties. However, in-silico analyses, including protein predictors and evolutionary conservation, support that this variant does not alter protein structure/function. In summary, based on the currently available information, it is unclear whether this variant is a pathogenic variant or a rare benign variant.

Natera, Inc.
Classification: Uncertain significance for Familial Mediterranean fever. Last evaluated: 2020-07-25. Review status: no assertion criteria provided. Collection method: clinical testing. Allele origin: germline. Not counted in ClinVar's aggregate classification.

Unité médicale des maladies autoinflammatoires, CHRU Montpellier
No classification provided. Condition: Familial Mediterranean fever. Review status: no classification provided. Collection method: not provided. Allele origin: unknown. Not counted in ClinVar's aggregate classification.